The following is an entry in ClinVar:

NM_005744.5(ARIH1):c.625A>G (p.Met209Val)

Gene: ARIH1 (ariadne RBR E3 ubiquitin protein ligase 1; plus strand). Cytogenetic location: 15q24.1.
Variant type: single nucleotide variant.
Coding change: c.625A>G on transcript NM_005744.5 (MANE Select); coding-DNA position 625, A replaced by G.
Protein change: p.Met209Val; replaces methionine 209 with valine.
Molecular consequence: missense variant.
Genome position (GRCh38, 1-based): chr15:72,555,307, A>G. VCF-style: chr15-72555307-A-G. GRCh37 (hg19) VCF-style: chr15-72847648-A-G.
Other names: short protein forms M209V.
Identifiers: ClinVar variation 2194398 (VCV002194398.4), dbSNP rs961904194, ClinGen allele CA273269550.
Genomic context (GRCh38, chr15:72,555,307, plus strand): 5'-GTTCATGTTTTGTTTTTCTTACAGTATTTCACTGGCCTTGAATGTGGACATAAGTTTTGT[A>G]TGCAGTGCTGGAGTGAATATTTAACTACCAAAATAATGGAAGAAGGCATGGGTCAGGTAA-3'
Protein context (NP_005735.2, residues 199-219): TGLECGHKFC[Met209Val]QCWSEYLTTK

ClinVar aggregate classification (germline): Uncertain significance (1 of 4 stars; one submission).

gnomAD v4.1: 32 of 1,613,708 alleles (0.002%); highest among the groups gnomAD compares: Middle Eastern, 0.016%; no homozygotes.

Submission:

Labcorp Genetics (formerly Invitae), Labcorp
Classification: Uncertain significance. Last evaluated: 2022-08-02. Review status: criteria provided, single submitter. Criteria: Invitae Variant Classification Sherloc (09022015). Collection method: clinical testing. Allele origin: germline.
Comment: In summary, the available evidence is currently insufficient to determine the role of this variant in disease. Therefore, it has been classified as a Variant of Uncertain Significance. Algorithms developed to predict the effect of missense changes on protein structure and function (SIFT, PolyPhen-2, Align-GVGD) all suggest that this variant is likely to be tolerated. This variant has not been reported in the literature in individuals affected with ARIH1-related conditions. This variant is present in population databases (no rsID available, gnomAD 0.0009%). This sequence change replaces methionine, which is neutral and non-polar, with valine, which is neutral and non-polar, at codon 209 of the ARIH1 protein (p.Met209Val).